The following is an entry in ClinVar:

NM_032888.4(COL27A1):c.761C>G (p.Ser254Cys)

Gene: COL27A1 (collagen type XXVII alpha 1 chain; plus strand). Cytogenetic location: 9q32.
Variant type: single nucleotide variant.
Coding change: c.761C>G on transcript NM_032888.4 (MANE Select); coding-DNA position 761, C replaced by G.
Protein change: p.Ser254Cys; replaces serine 254 with cysteine.
Molecular consequence: missense variant.
Genome position (GRCh38, 1-based): chr9:114,168,316, C>G. VCF-style: chr9-114168316-C-G. GRCh37 (hg19) VCF-style: chr9-116930596-C-G.
Other names: c.761C>G (NM_032888.2); short protein forms S254C.
Identifiers: ClinVar variation 2053279 (VCV002053279.2), dbSNP rs144086565, ClinGen allele CA5201224.

ClinVar aggregate classification (germline): Uncertain significance. Review status: criteria provided, multiple submitters, no conflicts (2 of 4 stars). 2 submissions from 2 submitters: Uncertain significance (2). Last evaluated 2024-04-12.

Conditions:
Inborn genetic diseases. Identifiers: MedGen C0950123, MeSH D030342.

Allele frequency attached by ClinVar (database versions not stated): gnomAD 0.00003; ExAC 0.00005; TOPMed 0.00006; gnomAD exomes 0.00022; ESP Exome Variant Server 0.00031.
gnomAD v4.1: 316 of 1,613,270 alleles (0.02%); highest among the groups gnomAD compares: Non-Finnish European, 0.026%; no homozygotes.

Submissions (2):

Ambry Genetics
Classification: Uncertain significance for Inborn genetic diseases. Last evaluated: 2024-04-12. Review status: criteria provided, single submitter. Criteria: Ambry Variant Classification Scheme 2023. Collection method: clinical testing. Allele origin: germline.

Labcorp Genetics (formerly Invitae), Labcorp
Classification: Uncertain significance. Last evaluated: 2022-07-15. Review status: criteria provided, single submitter. Criteria: Invitae Variant Classification Sherloc (09022015). Collection method: clinical testing. Allele origin: germline.
Comment: This sequence change replaces serine, which is neutral and polar, with cysteine, which is neutral and slightly polar, at codon 254 of the COL27A1 protein (p.Ser254Cys). This variant is present in population databases (rs144086565, gnomAD 0.03%). This variant has not been reported in the literature in individuals affected with COL27A1-related conditions. Advanced modeling of protein sequence and biophysical properties (such as structural, functional, and spatial information, amino acid conservation, physicochemical variation, residue mobility, and thermodynamic stability) performed at Invitae indicates that this missense variant is not expected to disrupt COL27A1 protein function. In summary, the available evidence is currently insufficient to determine the role of this variant in disease. Therefore, it has been classified as a Variant of Uncertain Significance.